The following is an entry in ClinVar:

NM_000038.6(APC):c.8158A>G (p.Asn2720Asp)

Gene: APC (APC regulator of Wnt signaling pathway; plus strand). Cytogenetic location: 5q22.2.
Variant type: single nucleotide variant.
Coding change: c.8158A>G on transcript NM_000038.6 (MANE Select); coding-DNA position 8158, A replaced by G.
Protein change: p.Asn2720Asp; replaces asparagine 2720 with aspartic acid.
Molecular consequence: missense variant.
Genome position (GRCh38, 1-based): chr5:112,843,752, A>G. VCF-style: chr5-112843752-A-G. GRCh37 (hg19) VCF-style: chr5-112179449-A-G.
Other names: c.8158A>G, p.Asn2720Asp (NM_001127510.3, NM_001354895.2); c.8104A>G, p.Asn2702Asp (NM_001127511.3); c.8212A>G, p.Asn2738Asp (NM_001354896.2); c.8188A>G, p.Asn2730Asp (NM_001354897.2); c.8083A>G, p.Asn2695Asp (NM_001354898.2); c.8074A>G, p.Asn2692Asp (NM_001354899.2); c.8035A>G, p.Asn2679Asp (NM_001354900.2); c.7981A>G, p.Asn2661Asp (NM_001354901.2); and 5 more; short protein forms N2437D, N2629D, N2594D, N2738D, N2560D, N2661D, N2692D, N2695D.
Identifiers: ClinVar variation 924565 (VCV000924565.4), dbSNP rs1766668179, ClinGen allele CA16039042.
Genomic context (GRCh38, chr5:112,843,752, plus strand): 5'-AATCAGGCAAAACAAAATGTGGGTAATGGCAGTGTTCCCATGCGTACCGTGGGTTTGGAA[A>G]ATCGCCTGAACTCCTTTATTCAGGTGGATGCCCCTGACCAAAAAGGAACTGAGATAAAAC-3'
Protein context (NP_000029.2, residues 2710-2730): SVPMRTVGLE[Asn2720Asp]RLNSFIQVDA

ClinVar aggregate classification (germline): Uncertain significance. Review status: criteria provided, multiple submitters, no conflicts (2 of 4 stars). 2 submissions from 2 submitters: Uncertain significance (2). Last evaluated 2026-08-25.

Conditions:
Hereditary cancer-predisposing syndrome. Also called: Neoplastic Syndromes, Hereditary; Hereditary Cancer Syndrome; Tumor predisposition; Hereditary neoplastic syndrome. Identifiers: Orphanet 140162, MedGen C0027672, MeSH D009386, MONDO:0015356.

Submissions (2):

Ambry Genetics
Classification: Uncertain significance for Hereditary cancer-predisposing syndrome. Last evaluated: 2026-08-25. Review status: criteria provided, single submitter. Criteria: Ambry Variant Classification Scheme 2023. Collection method: clinical testing. Allele origin: germline.
Comment: The p.N2720D variant (also known as c.8158A>G), located in coding exon 15 of the APC gene, results from an A to G substitution at nucleotide position 8158. The asparagine at codon 2720 is replaced by aspartic acid, an amino acid with highly similar properties. This amino acid position is highly conserved in available vertebrate species. In addition, in silico predictors for this gene do not accurately predict pathogenicity. Missense variants in APC are not a common cause of disease (Spier I et al. Genet Med. 2024 Feb;26(2):100992). Based on the available evidence, the clinical significance of this variant remains unclear.

Color Diagnostics, LLC DBA Color Health
Classification: Uncertain significance for Hereditary cancer-predisposing syndrome. Last evaluated: 2020-02-09. Review status: criteria provided, single submitter. Criteria: ACMG Guidelines, 2015. Collection method: clinical testing. Allele origin: germline.
Comment: This missense variant replaces asparagine with aspartic acid at codon 2720 of the APC protein. Computational prediction suggests that this variant may not impact protein structure and function (internally defined REVEL score threshold <= 0.5, PMID: 27666373). Splice site prediction tools suggest that this variant may not impact RNA splicing. To our knowledge, functional studies have not been performed for this variant. This variant has not been reported in individuals affected with hereditary cancer in the literature. This variant has not been identified in the general population by the Genome Aggregation Database (gnomAD). The available evidence is insufficient to determine the role of this variant in disease conclusively. Therefore, this variant is classified as a Variant of Uncertain Significance.